The following is an entry in ClinVar:

ClinVar aggregate classification (germline): Uncertain significance (1 of 4 stars; one submission).

Conditions:
Neuroblastoma, susceptibility to, 3. Also called: ALK-Related Neuroblastic Tumor Susceptibility. Identifiers: Orphanet 635, MedGen C2751681, MONDO:0013083, OMIM 613014.

Submission:

Labcorp Genetics (formerly Invitae), Labcorp
Classification: Uncertain significance for Neuroblastoma, susceptibility to, 3. Last evaluated: 2023-09-26. Review status: criteria provided, single submitter. Criteria: Invitae Variant Classification Sherloc (09022015). Collection method: clinical testing. Allele origin: unknown.
Comment: This variant is a gross deletion of the genomic region encompassing exon(s) 17 of the ALK gene. This variant would be expected to be in-frame, preserving the integrity of the reading frame. This variant has not been reported in the literature in individuals affected with ALK-related conditions. Experimental studies and prediction algorithms are not available or were not evaluated, and the functional significance of this variant is currently unknown. In summary, the available evidence is currently insufficient to determine the role of this variant in disease. Therefore, it has been classified as a Variant of Uncertain Significance.

NC_000002.11:g.(?_29450430)_(29450548_?)del

Gene: ALK (ALK receptor tyrosine kinase; minus strand). Cytogenetic location: 2p23.2.
Variant type: Deletion.
Identifiers: ClinVar variation 3247352 (VCV003247352.1).